The following is an entry in ClinVar:

ClinVar aggregate classification (germline): Uncertain significance (1 of 4 stars; one submission).

Conditions:
Leukocyte adhesion deficiency 3. Also called: INTEGRIN ACTIVATION DEFICIENCY DISEASE; LEUKOCYTE ADHESION DEFICIENCY 1 VARIANT; Leukocyte adhesion deficiency, type III. Identifiers: Orphanet 2968, Orphanet 99844, MedGen C2748536, MONDO:0013016, OMIM 612840.

Allele frequency attached by ClinVar (database versions not stated): gnomAD exomes below 0.00001.
gnomAD v4.1: 2 of 1,613,390 alleles (0.00012%); highest among the groups gnomAD compares: Non-Finnish European, 0.00017%; no homozygotes.

Submission:

Labcorp Genetics (formerly Invitae), Labcorp
Classification: Uncertain significance for Leukocyte adhesion deficiency 3. Last evaluated: 2021-10-14. Review status: criteria provided, single submitter. Criteria: Invitae Variant Classification Sherloc (09022015). Collection method: clinical testing. Allele origin: germline.
Comment: In summary, the available evidence is currently insufficient to determine the role of this variant in disease. Therefore, it has been classified as a Variant of Uncertain Significance. Algorithms developed to predict the effect of sequence changes on RNA splicing suggest that this variant may create or strengthen a splice site. Algorithms developed to predict the effect of missense changes on protein structure and function are either unavailable or do not agree on the potential impact of this missense change (SIFT: "Deleterious"; PolyPhen-2: "Benign"; Align-GVGD: "Class C0"). This variant has not been reported in the literature in individuals affected with FERMT3-related conditions. This variant is not present in population databases (ExAC no frequency). This sequence change replaces alanine with valine at codon 174 of the FERMT3 protein (p.Ala174Val). The alanine residue is moderately conserved and there is a small physicochemical difference between alanine and valine.

NM_031471.6(FERMT3):c.521C>T (p.Ala174Val)

Gene: FERMT3 (FERM domain containing kindlin 3; plus strand). Cytogenetic location: 11q13.1.
Variant type: single nucleotide variant.
Coding change: c.521C>T on transcript NM_031471.6 (MANE Select); coding-DNA position 521, C replaced by T.
Protein change: p.Ala174Val; replaces alanine 174 with valine.
Molecular consequence: missense variant. On other transcripts: 5 prime UTR variant (2).
Genome position (GRCh38, 1-based): chr11:64,211,281, C>T. VCF-style: chr11-64211281-C-T. GRCh37 (hg19) VCF-style: chr11-63978753-C-T.
Other names: c.521C>T, p.Ala174Val (NM_001382361.1, NM_001382362.1, NM_001382448.1 and 1 more transcripts); c.-20C>T (NM_001382363.1, NM_001382364.1); short protein forms A174V.
Identifiers: ClinVar variation 1481654 (VCV001481654.6), dbSNP rs2134845189, ClinGen allele CA381082178.